The following is an entry in ClinVar:

ClinVar aggregate classification (germline): Likely benign (0 of 4 stars; one submission).

Conditions:
SYNCRIP-related disorder. Also called: SYNCRIP-related condition.

Allele frequency attached by ClinVar (database versions not stated): TOPMed 0.00003; gnomAD exomes 0.00005; gnomAD 0.00006; 1000 Genomes Project 30x 0.00016; 1000 Genomes Project 0.00020; ExAC 0.00021.
gnomAD v4.1: 89 of 1,613,386 alleles (0.0055%); highest among the groups gnomAD compares: South Asian, 0.085%; 4 homozygotes.

Submission:

PreventionGenetics, part of Exact Sciences
Classification: Likely benign for SYNCRIP-related condition. Last evaluated: 2019-08-14. Review status: no assertion criteria provided. Collection method: clinical testing. Allele origin: germline.
Comment: This variant is classified as likely benign based on ACMG/AMP sequence variant interpretation guidelines (Richards et al. 2015 PMID: 25741868, with internal and published modifications).

NM_006372.5(SYNCRIP):c.1644C>T (p.Arg548=)

Gene: SYNCRIP (synaptotagmin binding cytoplasmic RNA interacting protein; minus strand). Cytogenetic location: 6q14.3.
Variant type: single nucleotide variant.
Coding change: c.1644C>T on transcript NM_006372.5 (MANE Select); coding-DNA position 1644, C replaced by T.
Protein change: p.Arg548=; no amino-acid change (arginine 548 retained).
Molecular consequence: synonymous variant.
Genome position (GRCh38, 1-based): chr6:85,614,984, G>A on the plus strand (C>T on the coding strand, the complement: SYNCRIP is on the minus strand). VCF-style: chr6-85614984-G-A. GRCh37 (hg19) VCF-style: chr6-86324702-G-A.
Other names: c.1350C>T, p.Arg450= (NM_001159673.2, NM_001410938.1); c.1539C>T, p.Arg513= (NM_001159674.2, NM_001159675.2); c.1644C>T, p.Arg548= (NM_001159676.2, NM_001159677.2); c.1188C>T, p.Arg396= (NM_001253771.2).
Identifiers: ClinVar variation 3052971 (VCV003052971.2), dbSNP rs555193893, ClinGen allele CA3912639.